The following is an entry in ClinVar:

ClinVar aggregate classification (germline): Uncertain significance (1 of 4 stars; one submission).

Conditions:
PGM1-congenital disorder of glycosylation. Also called: CDG It; PGM1 DEFICIENCY; GLYCOGEN STORAGE DISEASE XIV; Congenital disorder of glycosylation type 1t; GSD XIV; PHOSPHOGLUCOMUTASE 1 DEFICIENCY. Identifiers: Orphanet 319646, MedGen C2752015, MONDO:0013968, OMIM 614921.

Allele frequency attached by ClinVar (database versions not stated): ExAC 0.00001; gnomAD exomes 0.00001.
gnomAD v4.1: 7 of 1,614,058 alleles (0.00043%); highest among the groups gnomAD compares: East Asian, 0.0089%; no homozygotes.

Submission:

Labcorp Genetics (formerly Invitae), Labcorp
Classification: Uncertain significance for PGM1-congenital disorder of glycosylation. Last evaluated: 2022-08-21. Review status: criteria provided, single submitter. Criteria: Invitae Variant Classification Sherloc (09022015). Collection method: clinical testing. Allele origin: germline.
Comment: This sequence change replaces isoleucine, which is neutral and non-polar, with valine, which is neutral and non-polar, at codon 154 of the PGM1 protein (p.Ile154Val). This variant is present in population databases (rs772005776, gnomAD 0.006%). This variant has not been reported in the literature in individuals affected with PGM1-related conditions. Algorithms developed to predict the effect of missense changes on protein structure and function (SIFT, PolyPhen-2, Align-GVGD) all suggest that this variant is likely to be tolerated. In summary, the available evidence is currently insufficient to determine the role of this variant in disease. Therefore, it has been classified as a Variant of Uncertain Significance.

NM_002633.3(PGM1):c.460A>G (p.Ile154Val)

Gene: PGM1 (phosphoglucomutase 1; plus strand). Cytogenetic location: 1p31.3.
Variant type: single nucleotide variant.
Coding change: c.460A>G on transcript NM_002633.3 (MANE Select); coding-DNA position 460, A replaced by G.
Protein change: p.Ile154Val; replaces isoleucine 154 with valine.
Molecular consequence: missense variant. On other transcripts: 5 prime UTR variant (1).
Genome position (GRCh38, 1-based): chr1:63,629,992, A>G. VCF-style: chr1-63629992-A-G. GRCh37 (hg19) VCF-style: chr1-64095663-A-G.
Other names: c.514A>G, p.Ile172Val (NM_001172818.1); c.-132A>G (NM_001172819.2); short protein forms I154V, I172V.
Identifiers: ClinVar variation 1967842 (VCV001967842.2), dbSNP rs772005776, ClinGen allele CA889549.